The following is an entry in ClinVar:

NM_001853.4(COL9A3):c.28C>G (p.Leu10Val)

Gene: COL9A3 (collagen type IX alpha 3 chain; plus strand). Cytogenetic location: 20q13.33.
Variant type: single nucleotide variant.
Coding change: c.28C>G on transcript NM_001853.4 (MANE Select); coding-DNA position 28, C replaced by G.
Protein change: p.Leu10Val; replaces leucine 10 with valine.
Molecular consequence: missense variant.
Genome position (GRCh38, 1-based): chr20:62,817,092, C>G. VCF-style: chr20-62817092-C-G. GRCh37 (hg19) VCF-style: chr20-61448444-C-G.
Other names: short protein forms L10V.
Identifiers: ClinVar variation 2847848 (VCV002847848.3), dbSNP rs746142912, ClinGen allele CA9948985.

ClinVar aggregate classification (germline): Uncertain significance (1 of 4 stars; one submission).

Allele frequency attached by ClinVar (database versions not stated): gnomAD 0.00001; TOPMed 0.00001.
gnomAD v4.1: 2 of 1,391,968 alleles (0.00014%); highest among the groups gnomAD compares: Non-Finnish European, 0.00019%; no homozygotes.

Submission:

Labcorp Genetics (formerly Invitae), Labcorp
Classification: Uncertain significance. Last evaluated: 2023-03-20. Review status: criteria provided, single submitter. Criteria: Invitae Variant Classification Sherloc (09022015). Collection method: clinical testing. Allele origin: germline.
Comment: In summary, the available evidence is currently insufficient to determine the role of this variant in disease. Therefore, it has been classified as a Variant of Uncertain Significance. Advanced modeling of protein sequence and biophysical properties (such as structural, functional, and spatial information, amino acid conservation, physicochemical variation, residue mobility, and thermodynamic stability) performed at Invitae indicates that this missense variant is not expected to disrupt COL9A3 protein function. This variant has not been reported in the literature in individuals affected with COL9A3-related conditions. This variant is not present in population databases (gnomAD no frequency). This sequence change replaces leucine, which is neutral and non-polar, with valine, which is neutral and non-polar, at codon 10 of the COL9A3 protein (p.Leu10Val).